The following is an entry in ClinVar:

ClinVar aggregate classification (germline): Likely pathogenic (1 of 4 stars; one submission).

Allele frequency attached by ClinVar (database versions not stated): gnomAD 0.00001; gnomAD exomes 0.00001; TOPMed 0.00001; ExAC 0.00002; ESP Exome Variant Server 0.00008.
gnomAD v4.1: 11 of 1,601,546 alleles (0.00069%); highest among the groups gnomAD compares: South Asian, 0.0011%; no homozygotes.

Submissions (2):

Labcorp Genetics (formerly Invitae), Labcorp
Classification: Likely pathogenic. Last evaluated: 2022-09-22. Review status: criteria provided, single submitter. Criteria: Invitae Variant Classification Sherloc (09022015). Collection method: clinical testing. Allele origin: germline.
Comment: In summary, the currently available evidence indicates that the variant is pathogenic, but additional data are needed to prove that conclusively. Therefore, this variant has been classified as Likely Pathogenic. This sequence change affects a donor splice site in intron 15 of the PTPN4 gene. It is expected to disrupt RNA splicing. Variants that disrupt the donor or acceptor splice site typically lead to a loss of protein function (PMID: 16199547), and loss-of-function variants in PTPN4 are known to be pathogenic (PMID: 34527963). This variant is present in population databases (rs147418905, gnomAD 0.002%). This variant has not been reported in the literature in individuals affected with PTPN4-related conditions. Algorithms developed to predict the effect of sequence changes on RNA splicing suggest that this variant may disrupt the consensus splice site.

Dr. Peter K. Rogan Lab, Western University
No classification provided (evidence only). Condition: Papillary renal cell carcinoma type 1. Review status: no classification provided. Collection method: in vitro. Allele origin: not applicable. Functional consequence: skipped exon. Not counted in ClinVar's aggregate classification.

Literature cited by the submitters: PubMed 16199547 (cited by Labcorp Genetics (formerly Invitae), Labcorp); PubMed 34527963 (cited by Labcorp Genetics (formerly Invitae), Labcorp).

NM_002830.4(PTPN4):c.1355+1G>A

Gene: PTPN4 (protein tyrosine phosphatase non-receptor type 4; plus strand). Cytogenetic location: 2q14.2.
Variant type: single nucleotide variant.
Coding change: c.1355+1G>A on transcript NM_002830.4 (MANE Select); the canonical splice donor site of the intron after coding-DNA position 1355, G replaced by A.
Molecular consequence: splice donor variant.
Genome position (GRCh38, 1-based): chr2:119,934,959, G>A. VCF-style: chr2-119934959-G-A. GRCh37 (hg19) VCF-style: chr2-120692535-G-A.
Identifiers: ClinVar variation 2413540 (VCV002413540.8), dbSNP rs147418905, ClinGen allele CA1849545.
Genomic context (GRCh38, chr2:119,934,959, plus strand): 5'-TGTAAATCAGAGATCTCCGTCATCAACACAAGCTAATAGCATTGTTCTGGAATCATCACC[G>A]TAAGAGCTTTTTTATTTTGCTTCCTCTGTATTTTCAAATGCCCCAAATTGCTTTACTTAA-3'